The following is an entry in ClinVar:

ClinVar aggregate classification (germline): Uncertain significance (1 of 4 stars; one submission).

Submission:

Labcorp Genetics (formerly Invitae), Labcorp
Classification: Uncertain significance. Last evaluated: 2025-04-28. Review status: criteria provided, single submitter. Criteria: Invitae Variant Classification Sherloc (09022015). Collection method: clinical testing. Allele origin: germline.
Comment: This sequence change replaces histidine, which is basic and polar, with leucine, which is neutral and non-polar, at codon 327 of the GANAB protein (p.His327Leu). This variant is not present in population databases (gnomAD no frequency). This variant has not been reported in the literature in individuals affected with GANAB-related conditions. ClinVar contains an entry for this variant (Variation ID: 3665133). Invitae Evidence Modeling of protein sequence and biophysical properties (such as structural, functional, and spatial information, amino acid conservation, physicochemical variation, residue mobility, and thermodynamic stability) has been performed for this missense variant. However, the output from this modeling did not meet the statistical confidence thresholds required to predict the impact of this variant on GANAB protein function. In summary, the available evidence is currently insufficient to determine the role of this variant in disease. Therefore, it has been classified as a Variant of Uncertain Significance.

NM_198334.3(GANAB):c.914A>T (p.His305Leu)

Gene: GANAB (glucosidase II alpha subunit; minus strand). Cytogenetic location: 11q12.3.
Variant type: single nucleotide variant.
Coding change: c.914A>T on transcript NM_198334.3 (MANE Select); coding-DNA position 914, A replaced by T.
Protein change: p.His305Leu; replaces histidine 305 with leucine.
Molecular consequence: missense variant.
Genome position (GRCh38, 1-based): chr11:62,632,647, T>A on the plus strand (A>T on the coding strand, the complement: GANAB is on the minus strand). VCF-style: chr11-62632647-T-A. GRCh37 (hg19) VCF-style: chr11-62400119-T-A.
Other names: c.191A>T, p.His64Leu (NM_001329224.2, NM_001329225.2); c.980A>T, p.His327Leu (NM_198335.4); c.638A>T, p.His213Leu (NM_001278192.2); c.572A>T, p.His191Leu (NM_001278193.2); c.623A>T, p.His208Leu (NM_001278194.2, NM_001329222.2, NM_001329223.2); short protein forms H213L, H305L, H327L, H191L, H208L, H64L.
Identifiers: ClinVar variation 3665133 (VCV003665133.2).